The following is an entry in ClinVar:

ClinVar aggregate classification (germline): Uncertain significance (1 of 4 stars; one submission).

Conditions:
Glycogen storage disease due to muscle and heart glycogen synthase deficiency. Also called: MUSCLE GLYCOGEN SYNTHASE DEFICIENCY; GSD 0b. Identifiers: Orphanet 137625, MedGen C1969054, MONDO:0012693, OMIM 611556.

Submission:

Labcorp Genetics (formerly Invitae), Labcorp
Classification: Uncertain significance for Glycogen storage disease due to muscle and heart glycogen synthase deficiency. Last evaluated: 2025-10-02. Review status: criteria provided, single submitter. Criteria: Invitae Variant Classification Sherloc (09022015). Collection method: clinical testing. Allele origin: germline.
Comment: This sequence change replaces glycine, which is neutral and non-polar, with valine, which is neutral and non-polar, at codon 163 of the GYS1 protein (p.Gly163Val). This variant is not present in population databases (gnomAD no frequency). This variant has not been reported in the literature in individuals affected with GYS1-related conditions. ClinVar contains an entry for this variant (Variation ID: 2114192). Invitae Evidence Modeling of protein sequence and biophysical properties (such as structural, functional, and spatial information, amino acid conservation, physicochemical variation, residue mobility, and thermodynamic stability) indicates that this missense variant is not expected to disrupt GYS1 protein function with a negative predictive value of 80%. In summary, the available evidence is currently insufficient to determine the role of this variant in disease. Therefore, it has been classified as a Variant of Uncertain Significance.

NM_002103.5(GYS1):c.488G>T (p.Gly163Val)

Gene: GYS1 (glycogen synthase 1; minus strand). Cytogenetic location: 19q13.33.
Variant type: single nucleotide variant.
Coding change: c.488G>T on transcript NM_002103.5 (MANE Select); coding-DNA position 488, G replaced by T.
Protein change: p.Gly163Val; replaces glycine 163 with valine.
Molecular consequence: missense variant. On other transcripts: non-coding transcript variant (1), intron variant (1).
Genome position (GRCh38, 1-based): chr19:48,987,198, C>A on the plus strand (G>T on the coding strand, the complement: GYS1 is on the minus strand). VCF-style: chr19-48987198-C-A. GRCh37 (hg19) VCF-style: chr19-49490455-C-A.
Other names: c.301-1163G>T (NM_001161587.2); short protein forms G163V.
Identifiers: ClinVar variation 2114192 (VCV002114192.4), dbSNP rs2122524770, ClinGen allele CA406765726.